The following is an entry in ClinVar:

ClinVar aggregate classification (germline): Uncertain significance. Review status: criteria provided, multiple submitters, no conflicts (2 of 4 stars). 8 submissions from 8 submitters: Uncertain significance (7). 1 of the submissions does not count toward it. Last evaluated 2025-03-20.

Conditions:
Wilson disease (WND). Also called: Wilson's disease. Identifiers: Orphanet 905, MedGen C0019202, MONDO:0010200, OMIM 277900. Disease mechanism: loss of function.

Allele frequency attached by ClinVar (database versions not stated): TOPMed 0.00003.
gnomAD v4.1: 2 of 1,613,664 alleles (0.00012%); highest among the groups gnomAD compares: Non-Finnish European, 0.00017%; no homozygotes.

Submissions (8):

ARUP Laboratories, Molecular Genetics and Genomics, ARUP Laboratories
Classification: Uncertain significance for Wilson disease. Last evaluated: 2025-03-20. Review status: criteria provided, single submitter. Criteria: ARUP Molecular Germline Variant Investigation Process 2024. Collection method: clinical testing. Allele origin: germline.
Comment: The ATP7B c.1298C>G; p.Thr433Ser variant (rs763788226), to our knowledge, is not reported in the medical literature but is reported in ClinVar (Variation ID: 633068). This variant is absent from the Genome Aggregation Database (v2.1.1), indicating it is not a common polymorphism. Computational analyses are uncertain whether this variant is neutral or deleterious (REVEL: 0.201). Due to limited information, the clinical significance of this variant is uncertain at this time.

All of Us Research Program, National Institutes of Health
Classification: Uncertain significance for Wilson disease. Last evaluated: 2024-05-14. Review status: criteria provided, single submitter. Criteria: ACMG Guidelines, 2015. Collection method: clinical testing. Allele origin: germline. Inheritance: Autosomal recessive inheritance. Observed: 2 variant alleles, 2 heterozygotes.
Comment: This missense variant replaces threonine with serine at codon 433 of the ATP7B protein. Computational prediction suggests that this variant may not impact protein structure and function (internally defined REVEL score threshold <= 0.5, PMID: 27666373). To our knowledge, functional studies have not been reported for this variant. This variant has not been reported in individuals affected with ATP7B-related disorders in the literature. This variant has not been identified in the general population by the Genome Aggregation Database (gnomAD). The available evidence is insufficient to determine the role of this variant in disease conclusively. Therefore, this variant is classified as a Variant of Uncertain Significance.

This study involves interpretation of variants in research participants for the purpose of population health screening. Participant phenotype was not available at the time of variant classification. Additional details can be found in publication PMID: 35346344, PMCID: PMC8962531

Labcorp Genetics (formerly Invitae), Labcorp
Classification: Uncertain significance for Wilson disease. Last evaluated: 2023-09-01. Review status: criteria provided, single submitter. Criteria: Invitae Variant Classification Sherloc (09022015). Collection method: clinical testing. Allele origin: germline.
Comment: Advanced modeling of protein sequence and biophysical properties (such as structural, functional, and spatial information, amino acid conservation, physicochemical variation, residue mobility, and thermodynamic stability) performed at Invitae indicates that this missense variant is not expected to disrupt ATP7B protein function. In summary, the available evidence is currently insufficient to determine the role of this variant in disease. Therefore, it has been classified as a Variant of Uncertain Significance. ClinVar contains an entry for this variant (Variation ID: 633068). This variant has not been reported in the literature in individuals affected with ATP7B-related conditions. This variant is not present in population databases (gnomAD no frequency). This sequence change replaces threonine, which is neutral and polar, with serine, which is neutral and polar, at codon 433 of the ATP7B protein (p.Thr433Ser).

Color Diagnostics, LLC DBA Color Health
Classification: Uncertain significance for Wilson disease. Last evaluated: 2022-11-11. Review status: criteria provided, single submitter. Criteria: ACMG Guidelines, 2015. Collection method: clinical testing. Allele origin: germline.
Comment: This missense variant replaces threonine with serine at codon 433 of the ATP7B protein. Computational prediction suggests that this variant may not impact protein structure and function. To our knowledge, functional studies have not been reported for this variant. This variant has not been reported in individuals affected with ATP7B-related disorders in the literature. This variant has not been identified in the general population by the Genome Aggregation Database (gnomAD). The available evidence is insufficient to determine the role of this variant in disease conclusively. Therefore, this variant is classified as a Variant of Uncertain Significance.

Mayo Clinic Laboratories, Mayo Clinic
Classification: Uncertain significance. Last evaluated: 2022-11-08. Review status: criteria provided, single submitter. Criteria: ACMG Guidelines, 2015. Collection method: clinical testing. Allele origin: germline. Observed: 1 variant allele.
Comment: BP4, PM2

Fulgent Genetics
Classification: Uncertain significance for Wilson disease. Last evaluated: 2021-09-21. Review status: criteria provided, single submitter. Criteria: ACMG Guidelines, 2015. Collection method: clinical testing. Allele origin: unknown.

Women's Health and Genetics/Laboratory Corporation of America, LabCorp
Classification: Uncertain significance. Last evaluated: 2018-04-20. Review status: criteria provided, single submitter. Criteria: LabCorp Variant Classification Summary - May 2015. Collection method: clinical testing. Allele origin: germline.
Comment: Variant summary: ATP7B c.1298C>G (p.Thr433Ser) results in a conservative amino acid change in the encoded protein sequence. Five of five in-silico tools predict a benign effect of the variant on protein function. The variant was absent in 276018 control chromosomes (gnomAD). The available data on variant occurrences in the general population are insufficient to allow any conclusion about variant significance. To our knowledge, no occurrence of c.1298C>G in individuals affected with Wilson Disease and no experimental evidence demonstrating its impact on protein function have been reported. No clinical diagnostic laboratories have submitted clinical-significance assessments for this variant to ClinVar after 2014. Based on the evidence outlined above, the variant was classified as uncertain significance.

Natera, Inc.
Classification: Uncertain significance for Wilson disease. Last evaluated: 2020-09-16. Review status: no assertion criteria provided. Collection method: clinical testing. Allele origin: germline. Not counted in ClinVar's aggregate classification.

NM_000053.4(ATP7B):c.1298C>G (p.Thr433Ser)

Gene: ATP7B (ATPase copper transporting beta; minus strand). Cytogenetic location: 13q14.3.
Variant type: single nucleotide variant.
Coding change: c.1298C>G on transcript NM_000053.4 (MANE Select); coding-DNA position 1298, C replaced by G.
Protein change: p.Thr433Ser; replaces threonine 433 with serine.
Molecular consequence: missense variant.
Genome position (GRCh38, 1-based): chr13:51,970,737, G>C on the plus strand (C>G on the coding strand, the complement: ATP7B is on the minus strand). VCF-style: chr13-51970737-G-C. GRCh37 (hg19) VCF-style: chr13-52544873-G-C.
Other names: p.Thr433Ser; c.1298C>G, p.Thr433Ser (NM_001005918.3, NM_001330578.2, NM_001330579.2); c.965C>G, p.Thr322Ser (NM_001243182.2); short protein forms T433S, T322S.
Identifiers: ClinVar variation 633068 (VCV000633068.10), dbSNP rs763788226, ClinGen allele CA388036144.
Genomic context (GRCh38, chr13:51,970,737, plus strand): 5'-GGTGTACCATCTGTAGTTTGCACCATGGAATTCCCAGCACTGTGGTTTCCAAGAGGGTTA[G>C]TAGAACAGCTTTCTAGGATAAAATGTCAGAAAATATTCAAATTAGAAGAGCAAATAATAT-3'
Protein context (NP_000044.2, residues 423-443): EASVVSESCS[Thr433Ser]NPLGNHSAGN